The following is an entry in ClinVar:

NM_005359.6(SMAD4):c.181A>G (p.Ile61Val)

Gene: SMAD4 (SMAD family member 4; plus strand). Cytogenetic location: 18q21.2.
Variant type: single nucleotide variant.
Coding change: c.181A>G on transcript NM_005359.6 (MANE Select); coding-DNA position 181, A replaced by G.
Protein change: p.Ile61Val; replaces isoleucine 61 with valine.
Molecular consequence: missense variant.
Genome position (GRCh38, 1-based): chr18:51,047,227, A>G. VCF-style: chr18-51047227-A-G. GRCh37 (hg19) VCF-style: chr18-48573597-A-G.
Other names: short protein forms I61V.
Identifiers: ClinVar variation 419954 (VCV000419954.23), dbSNP rs1064794204, ClinGen allele CA16620699.
Genomic context (GRCh38, chr18:51,047,227, plus strand): 5'-GAAAGTTTGGTAAAGAAGCTGAAGGAGAAAAAAGATGAATTGGATTCTTTAATAACAGCT[A>G]TAACTACAAATGGAGCTCATCCTAGTAAATGTGTTACCATACAGAGAACATTGGATGGGA-3'
Protein context (NP_005350.1, residues 51-71): KDELDSLITA[Ile61Val]TTNGAHPSKC

ClinVar aggregate classification (germline): Conflicting classifications of pathogenicity. Review status: criteria provided, conflicting classifications (1 of 4 stars). 7 submissions from 7 submitters: Uncertain significance (6); Likely benign (1). Last evaluated 2025-11-16.

Conditions:
Hereditary cancer-predisposing syndrome. Also called: Neoplastic Syndromes, Hereditary; Hereditary Cancer Syndrome; Hereditary neoplastic syndrome; Tumor predisposition. Identifiers: Orphanet 140162, MedGen C0027672, MeSH D009386, MONDO:0015356.
Familial thoracic aortic aneurysm and aortic dissection (TAAD). Also called: Thoracic aortic aneurysms and dissections. Identifiers: Orphanet 91387, MedGen C4707243, MONDO:0019625.
Myhre syndrome (MYHRS). Also called: LARYNGOTRACHEAL STENOSIS, ARTHROPATHY, PROGNATHISM, AND SHORT STATURE; LAPS SYNDROME. Identifiers: Orphanet 2588, MedGen C0796081, MONDO:0007688, OMIM 139210.
Generalized juvenile polyposis/juvenile polyposis coli. Also called: Juvenile polyposis coli. Identifiers: Orphanet 329971, MedGen C1868081, MONDO:0008276.
Juvenile polyposis/hereditary hemorrhagic telangiectasia syndrome (JPHT). Also called: POLYPOSIS, GENERALIZED JUVENILE, WITH PULMONARY ARTERIOVENOUS MALFORMATION; TELANGIECTASIA, HEREDITARY HEMORRHAGIC, WITH JUVENILE POLYPOSIS COLI; Juvenile Polyposis Syndrome / Hereditary Hemorrhagic Telangiectasia (JPS/HHT); JP/HHT SYNDROME; JUVENILE POLYPOSIS WITH HEREDITARY HEMORRHAGIC TELANGIECTASIA. Identifiers: Orphanet 2929, MedGen C1832942, MONDO:0008278, OMIM 175050.
Carcinoma of pancreas. Also called: PANCREATIC ACINAR CARCINOMA; PANCREATIC CARCINOMA; Pancreatic cancer, somatic; Pancreatic carcinoma, somatic; Exocrine pancreatic carcinoma. Identifiers: Orphanet 1333, Orphanet 217074, MedGen C0235974, MONDO:0005192. Disease mechanism: loss of function.
Juvenile polyposis syndrome (JPS). Identifiers: Orphanet 2929, MedGen C0345893, MONDO:0017380, OMIM 174900.

Allele frequency attached by ClinVar (database versions not stated): gnomAD 0.00001; gnomAD exomes 0.00001.
gnomAD v4.1: 20 of 1,613,546 alleles (0.0012%); highest among the groups gnomAD compares: East Asian, 0.0022%; no homozygotes.

Submissions (7):

Labcorp Genetics (formerly Invitae), Labcorp
Classification: Likely benign for Juvenile polyposis syndrome. Last evaluated: 2025-11-16. Review status: criteria provided, single submitter. Criteria: Invitae Variant Classification Sherloc (09022015). Collection method: clinical testing. Allele origin: germline.

Quest Diagnostics Nichols Institute San Juan Capistrano
Classification: Uncertain significance. Last evaluated: 2025-09-04. Review status: criteria provided, single submitter. Criteria: Quest Diagnostics criteria. Collection method: clinical testing. Allele origin: unknown.
Comment: The SMAD4 c.181A>G (p.Ile61Val) variant has been observed in the published literature as a somatic variant in a reportedly unaffected individual (PMID: 30337457 (2018)). The frequency of this variant in the general population (Genome Aggregation Database) is uninformative in the assessment of its pathogenicity. Analysis of this variant using bioinformatics tools for the prediction of the effect of amino acid changes on protein structure and function yielded conflicting predictions that this variant is benign or damaging. Based on the available information, we are unable to determine the clinical significance of this variant.

Color Diagnostics, LLC DBA Color Health
Classification: Uncertain significance for Hereditary cancer-predisposing syndrome. Last evaluated: 2025-06-23. Review status: criteria provided, single submitter. Criteria: ACMG Guidelines, 2015. Collection method: clinical testing. Allele origin: germline.
Comment: This missense variant replaces isoleucine with valine at codon 61 of the SMAD4 protein. Computational prediction suggests that this variant may not impact protein structure and function. To our knowledge, functional studies have not been reported for this variant. This variant has not been reported in individuals affected with SMAD4-related disorders in the literature. This variant has been identified in 3/251246 chromosomes in the general population by the Genome Aggregation Database (gnomAD). The available evidence is insufficient to determine the role of this variant in disease conclusively. Therefore, this variant is classified as a Variant of Uncertain Significance.

Ambry Genetics
Classification: Uncertain significance for Hereditary cancer-predisposing syndrome; Familial thoracic aortic aneurysm and aortic dissection. Last evaluated: 2024-09-17. Review status: criteria provided, single submitter. Criteria: Ambry Variant Classification Scheme 2023. Collection method: clinical testing. Allele origin: germline.
Comment: The p.I61V variant (also known as c.181A>G), located in coding exon 1 of the SMAD4 gene, results from an A to G substitution at nucleotide position 181. The isoleucine at codon 61 is replaced by valine, an amino acid with highly similar properties. This amino acid position is well conserved in available vertebrate species. In addition, this alteration is predicted to be tolerated by in silico analysis. Since supporting evidence is limited at this time, the clinical significance of this alteration remains unclear.

Women's Health and Genetics/Laboratory Corporation of America, LabCorp
Classification: Uncertain significance. Last evaluated: 2023-05-18. Review status: criteria provided, single submitter. Criteria: LabCorp Variant Classification Summary - May 2015. Collection method: clinical testing. Allele origin: germline.
Comment: Variant summary: SMAD4 c.181A>G (p.Ile61Val) results in a conservative amino acid change located in the MAD homology 1, Dwarfin-type (IPR003619) of the encoded protein sequence. Three of five in-silico tools predict a benign effect of the variant on protein function. The variant allele was found at a frequency of 1.2e-05 in 251246 control chromosomes. The available data on variant occurrences in the general population are insufficient to allow any conclusion about variant significance. To our knowledge, no occurrence of c.181A>G in individuals affected with Juvenile Polyposis Syndrome and no experimental evidence demonstrating its impact on protein function have been reported. Six clinical diagnostic laboratories have submitted clinical-significance assessments for this variant to ClinVar after 2014, and classified the variant as uncertain significance. Based on the evidence outlined above, the variant was classified as uncertain significance.

Fulgent Genetics
Classification: Uncertain significance for Myhre syndrome; Juvenile polyposis syndrome; Juvenile polyposis/hereditary hemorrhagic telangiectasia syndrome; Familial pancreatic carcinoma. Last evaluated: 2018-10-31. Review status: criteria provided, single submitter. Criteria: ACMG Guidelines, 2015. Collection method: clinical testing. Allele origin: unknown.

GeneDx
Classification: Uncertain significance. Last evaluated: 2018-07-30. Review status: criteria provided, single submitter. Criteria: GeneDx Variant Classification (06012015). Collection method: clinical testing. Allele origin: germline. Affected: yes.
Comment: This variant is denoted SMAD4 c.181A>G at the cDNA level, p.Ile61Val (I61V) at the protein level, and results in the change of an Isoleucine to a Valine (ATA>GTA). This variant has not, to our knowledge, been published in the literature as a pathogenic or benign germline variant. SMAD4 Ile61Val was not observed at a significant allele frequency in large population cohorts (Lek 2016). SMAD4 Ile61Val is located in the MH1 domain (UniProt). In silico analysis, which includes protein predictors and evolutionary conservation, supports that this variant does not alter protein structure/function. Based on currently available evidence, it is unclear whether SMAD4 Ile61Val is pathogenic or benign. We consider it to be a variant of uncertain significance.

Literature cited by the submitters: PubMed 30337457 (cited by Quest Diagnostics Nichols Institute San Juan Capistrano).